The following is an entry in ClinVar:

ClinVar aggregate classification (germline): Uncertain significance. Review status: criteria provided, multiple submitters, no conflicts (2 of 4 stars). 3 submissions from 3 submitters: Uncertain significance (3). Last evaluated 2026-01-08.

Conditions:
3-methylcrotonyl-CoA carboxylase 1 deficiency (MCC1D). Also called: MCC 1 deficiency; 3 Alpha methylcrotonylglycinuria 1; MCCD TYPE 1; METHYLCROTONYLGLYCINURIA TYPE I. Identifiers: Orphanet 6, MedGen CN028786, MONDO:0008861, OMIM 210200.
Inborn genetic diseases. Identifiers: MedGen C0950123, MeSH D030342.

Allele frequency attached by ClinVar (database versions not stated): gnomAD 0.00006; ESP Exome Variant Server 0.00008.
gnomAD v4.1: 130 of 1,614,070 alleles (0.0081%); highest among the groups gnomAD compares: Non-Finnish European, 0.0086%; no homozygotes.

Submissions (3):

Labcorp Genetics (formerly Invitae), Labcorp
Classification: Uncertain significance for 3-methylcrotonyl-CoA carboxylase 1 deficiency. Last evaluated: 2026-01-08. Review status: criteria provided, single submitter. Criteria: Invitae Variant Classification Sherloc (09022015). Collection method: clinical testing. Allele origin: germline.
Comment: This sequence change replaces arginine, which is basic and polar, with glycine, which is neutral and non-polar, at codon 47 of the MCCC1 protein (p.Arg47Gly). This variant is present in population databases (rs142664377, gnomAD 0.02%). This variant has not been reported in the literature in individuals affected with MCCC1-related conditions. ClinVar contains an entry for this variant (Variation ID: 1704958). An algorithm developed to predict the effect of missense changes on protein structure and function outputs the following: PolyPhen-2: "Benign". The glycine amino acid residue is found in multiple mammalian species, which suggests that this missense change does not adversely affect protein function. In summary, the available evidence is currently insufficient to determine the role of this variant in disease. Therefore, it has been classified as a Variant of Uncertain Significance.

GeneDx
Classification: Uncertain significance. Last evaluated: 2022-09-07. Review status: criteria provided, single submitter. Criteria: GeneDx Variant Classification Process June 2021. Collection method: clinical testing. Allele origin: germline. Affected: yes.
Comment: In silico analysis supports that this missense variant does not alter protein structure/function; Has not been previously published as pathogenic or benign to our knowledge

Ambry Genetics
Classification: Uncertain significance for Inborn genetic diseases. Last evaluated: 2021-08-02. Review status: criteria provided, single submitter. Criteria: Ambry Variant Classification Scheme 2023. Collection method: clinical testing. Allele origin: germline.

NM_020166.5(MCCC1):c.139A>G (p.Arg47Gly)

Gene: MCCC1 (methylcrotonyl-CoA carboxylase subunit 1; minus strand). Cytogenetic location: 3q27.1.
Variant type: single nucleotide variant.
Coding change: c.139A>G on transcript NM_020166.5 (MANE Select); coding-DNA position 139, A replaced by G.
Protein change: p.Arg47Gly; replaces arginine 47 with glycine.
Molecular consequence: missense variant. On other transcripts: non-coding transcript variant (1), intron variant (2).
Genome position (GRCh38, 1-based): chr3:183,092,543, T>C on the plus strand (A>G on the coding strand, the complement: MCCC1 is on the minus strand). VCF-style: chr3-183092543-T-C. GRCh37 (hg19) VCF-style: chr3-182810331-T-C.
Other names: c.-55+2016A>G (NM_001363880.1); c.44+2016A>G (NM_001293273.2); short protein forms R47G.
Identifiers: ClinVar variation 1704958 (VCV001704958.7), dbSNP rs142664377, ClinGen allele CA2719188.